The following is an entry in ClinVar:

ClinVar aggregate classification (germline): Uncertain significance (1 of 4 stars; one submission).

Allele frequency attached by ClinVar (database versions not stated): TOPMed below 0.00001; gnomAD exomes 0.00001.
gnomAD v4.1: 3 of 1,614,044 alleles (0.00019%); highest among the groups gnomAD compares: Non-Finnish European, 0.00025%; no homozygotes.

Submission:

Labcorp Genetics (formerly Invitae), Labcorp
Classification: Uncertain significance. Last evaluated: 2022-01-26. Review status: criteria provided, single submitter. Criteria: Invitae Variant Classification Sherloc (09022015). Collection method: clinical testing. Allele origin: germline.
Comment: This sequence change replaces serine, which is neutral and polar, with cysteine, which is neutral and slightly polar, at codon 82 of the UNC45A protein (p.Ser82Cys). This variant is present in population databases (no rsID available, gnomAD 0.0009%). This variant has not been reported in the literature in individuals affected with UNC45A-related conditions. Algorithms developed to predict the effect of missense changes on protein structure and function are either unavailable or do not agree on the potential impact of this missense change (SIFT: "Not Available"; PolyPhen-2: "Possibly Damaging"; Align-GVGD: "Not Available"). In summary, the available evidence is currently insufficient to determine the role of this variant in disease. Therefore, it has been classified as a Variant of Uncertain Significance.

NM_018671.5(UNC45A):c.245C>G (p.Ser82Cys)

Gene: UNC45A (unc-45 myosin chaperone A; plus strand). Cytogenetic location: 15q26.1.
Variant type: single nucleotide variant.
Coding change: c.245C>G on transcript NM_018671.5 (MANE Select); coding-DNA position 245, C replaced by G.
Protein change: p.Ser82Cys; replaces serine 82 with cysteine.
Molecular consequence: missense variant. On other transcripts: 5 prime UTR variant (1).
Genome position (GRCh38, 1-based): chr15:90,935,977, C>G. VCF-style: chr15-90935977-C-G. GRCh37 (hg19) VCF-style: chr15-91479207-C-G.
Other names: c.200C>G, p.Ser67Cys (NM_001039675.2, NM_001323621.2); c.245C>G, p.Ser82Cys (NM_001323619.1); c.-339C>G (NM_001323620.2); short protein forms S82C, S67C.
Identifiers: ClinVar variation 2043816 (VCV002043816.4), dbSNP rs1446267574, ClinGen allele CA393890419.